The following is an entry in ClinVar:

ClinVar aggregate classification (germline): Pathogenic (1 of 4 stars; one submission).

Conditions:
Mucolipidosis type IV (ML4). Also called: ML IV. Identifiers: Orphanet 578, MedGen C0238286, MONDO:0009653, OMIM 252650.

Submission:

Myriad Genetics, Inc.
Classification: Pathogenic for Mucolipidosis type IV. Last evaluated: 2024-07-05. Review status: criteria provided, single submitter. Criteria: Myriad Autosomal Dominant, Autosomal Recessive and X-Linked Classification Criteria (2023). Collection method: clinical testing. Allele origin: unknown.
Comment: NM_020533.2(MCOLN1):c.95delC(P32Lfs*19) is expected to be pathogenic in the context of mucolipidosis IV. This variant is predicted to lead to an abnormal or absent protein product due to the creation of a premature termination codon in MCOLN1, a gene where loss-of-function variants are known to be pathogenic. Please note: this variant was assessed in the context of healthy population screening.

NM_020533.3(MCOLN1):c.95del (p.Pro32fs)

Gene: MCOLN1 (mucolipin TRP cation channel 1; plus strand). Cytogenetic location: 19p13.2.
Variant type: Deletion.
Coding change: c.95del on transcript NM_020533.3 (MANE Select); coding-DNA position 95, one base deleted (C; older notation c.95delC).
Protein change: p.Pro32fs; shifts the reading frame from proline 32.
Molecular consequence: frameshift variant.
Genome position (GRCh38, 1-based): chr19:7,525,024, C deleted; the last of 4 consecutive C bases (chr19:7,525,021-7,525,024); deleting any one gives the same sequence. VCF-style (leftmost placement, unchanged base first): chr19-7525020-GC-G. GRCh37 (hg19) VCF-style: chr19-7589906-GC-G.
Other names: short protein forms P32fs.
Identifiers: ClinVar variation 5013281 (VCV005013281.1).
Genomic context (GRCh38, chr19:7,525,020, plus strand): 5'-GAGACCGAGCGGCTTCTGACCCCCAACCCCGGGTATGGGACCCAGGCGGGGCCTTCACCG[GC>G]CCCTCCGACACCCCCAGAAGAGGAAGACCTTCGCCGTCGTCTCAAATACTTTTTCATGAG-3'